The following is an entry in ClinVar:

NM_031448.6(C19orf12):c.-10-1G>A

Gene: C19orf12 (chromosome 19 open reading frame 12; minus strand). Cytogenetic location: 19q12.
Variant type: single nucleotide variant.
Coding change: c.-10-1G>A on transcript NM_031448.6 (MANE Select); the canonical splice acceptor site of the intron before 10 bases upstream of the start codon, G replaced by A.
Molecular consequence: splice acceptor variant. On other transcripts: intron variant (2).
Genome position (GRCh38, 1-based): chr19:29,708,424, C>T on the plus strand (G>A on the coding strand, the complement: C19orf12 is on the minus strand). VCF-style: chr19-29708424-C-T. GRCh37 (hg19) VCF-style: chr19-30199331-C-T.
Other names: c.-32-5447G>A (NM_001282929.1, NM_001282930.3); c.-10-1G>A (NM_001256047.2, NM_001256046.3, NM_001031726.4); c.-323-1G>A (NM_001282931.3).
Identifiers: ClinVar variation 3362870 (VCV003362870.1).

ClinVar aggregate classification (germline): Likely pathogenic (1 of 4 stars; one submission).

Conditions:
Neurodegeneration with brain iron accumulation 4 (NBIA4). Also called: MITOCHONDRIAL PROTEIN-ASSOCIATED NEURODEGENERATION. Identifiers: Orphanet 289560, MedGen C3280371, MONDO:0013674, OMIM 614298. Disease mechanism: loss of function.

Submission:

Institute of Bioinformatics
Classification: Likely pathogenic for Neurodegeneration with brain iron accumulation 4. Last evaluated: 2024-09-01. Review status: criteria provided, single submitter. Criteria: ACMG Guidelines, 2015. Collection method: clinical testing. Allele origin: unknown. Inheritance: Autosomal recessive inheritance. Affected: yes. Observed: 1 homozygote.
Comment: The variant is a novel splice-site variant so can be assigned PVS1 and PM2 criteria as per ACMG/AMP guidelines.